The following is an entry in ClinVar:

ClinVar aggregate classification (germline): Uncertain significance (1 of 4 stars; one submission).

Conditions:
Juvenile polyposis syndrome (JPS). Identifiers: Orphanet 2929, MedGen C0345893, MONDO:0017380, OMIM 174900.

Submission:

Labcorp Genetics (formerly Invitae), Labcorp
Classification: Uncertain significance for Juvenile polyposis syndrome. Last evaluated: 2023-01-26. Review status: criteria provided, single submitter. Criteria: Invitae Variant Classification Sherloc (09022015). Collection method: clinical testing. Allele origin: germline.
Comment: In summary, the available evidence is currently insufficient to determine the role of this variant in disease. Therefore, it has been classified as a Variant of Uncertain Significance. Advanced modeling of protein sequence and biophysical properties (such as structural, functional, and spatial information, amino acid conservation, physicochemical variation, residue mobility, and thermodynamic stability) performed at Invitae indicates that this missense variant is not expected to disrupt SMAD4 protein function. This variant has not been reported in the literature in individuals affected with SMAD4-related conditions. This variant is not present in population databases (gnomAD no frequency). This sequence change replaces threonine, which is neutral and polar, with proline, which is neutral and non-polar, at codon 181 of the SMAD4 protein (p.Thr181Pro).

NM_005359.6(SMAD4):c.541A>C (p.Thr181Pro)

Gene: SMAD4 (SMAD family member 4; plus strand). Cytogenetic location: 18q21.2.
Variant type: single nucleotide variant.
Coding change: c.541A>C on transcript NM_005359.6 (MANE Select); coding-DNA position 541, A replaced by C.
Protein change: p.Thr181Pro; replaces threonine 181 with proline.
Molecular consequence: missense variant. On other transcripts: non-coding transcript variant (2).
Genome position (GRCh38, 1-based): chr18:51,054,867, A>C. VCF-style: chr18-51054867-A-C. GRCh37 (hg19) VCF-style: chr18-48581237-A-C.
Other names: c.541A>C, p.Thr181Pro (NM_001407041.1, NM_001407042.1, NM_001407043.1); short protein forms T181P.
Identifiers: ClinVar variation 2832277 (VCV002832277.3), dbSNP rs1599186888, ClinGen allele CA402460888.